The following is an entry in ClinVar:

NM_017612.5(ZCCHC8):c.288G>T (p.Gln96His)

Gene: ZCCHC8 (zinc finger CCHC-type containing 8; minus strand). Cytogenetic location: 12q24.31.
Variant type: single nucleotide variant.
Coding change: c.288G>T on transcript NM_017612.5 (MANE Select); coding-DNA position 288, G replaced by T.
Protein change: p.Gln96His; replaces glutamine 96 with histidine.
Molecular consequence: missense variant. On other transcripts: 5 prime UTR variant (3).
Genome position (GRCh38, 1-based): chr12:122,492,744, C>A on the plus strand (G>T on the coding strand, the complement: ZCCHC8 is on the minus strand). VCF-style: chr12-122492744-C-A. GRCh37 (hg19) VCF-style: chr12-122977291-C-A.
Other names: c.288G>T, p.Gln96His (NM_001350935.2); c.-10G>T (NM_001350936.2); c.-257G>T (NM_001350937.2); c.-151G>T (NM_001350938.2); short protein forms Q96H.
Identifiers: ClinVar variation 2002484 (VCV002002484.4), dbSNP rs1410414236, ClinGen allele CA482209970.
Genomic context (GRCh38, chr12:122,492,744, plus strand): 5'-TTATATTTAGGAAAGGGAAAAAATTACTTACTTTGAAATAGCATTGTTCATGAATAGAAT[C>A]TGTAATATAGGTCCATCTAACTTAGTATCGTTCACCAATATTCCACTAAAACAGAAGTTA-3'
Protein context (NP_060082.2, residues 86-106): NDTKLDGPIL[Gln96His]ILFMNNAISK

ClinVar aggregate classification (germline): Uncertain significance (1 of 4 stars; one submission).

gnomAD v4.1: 5 of 1,548,954 alleles (0.00032%); highest among the groups gnomAD compares: South Asian, 0.0048%; no homozygotes.

Submission:

Labcorp Genetics (formerly Invitae), Labcorp
Classification: Uncertain significance. Last evaluated: 2022-06-05. Review status: criteria provided, single submitter. Criteria: Invitae Variant Classification Sherloc (09022015). Collection method: clinical testing. Allele origin: germline.
Comment: In summary, the available evidence is currently insufficient to determine the role of this variant in disease. Therefore, it has been classified as a Variant of Uncertain Significance. Algorithms developed to predict the effect of missense changes on protein structure and function are either unavailable or do not agree on the potential impact of this missense change (SIFT: "Deleterious"; PolyPhen-2: "Not Available"; Align-GVGD: "Class C0"). This sequence change replaces glutamine, which is neutral and polar, with histidine, which is basic and polar, at codon 96 of the ZCCHC8 protein (p.Gln96His). The frequency data for this variant in the population databases is considered unreliable, as metrics indicate poor data quality at this position in the gnomAD database. This variant has not been reported in the literature in individuals affected with ZCCHC8-related conditions.